The following is an entry in ClinVar:

ClinVar aggregate classification (germline): Pathogenic. Review status: criteria provided, multiple submitters, no conflicts (2 of 4 stars). 2 submissions from 2 submitters: Pathogenic (2). Last evaluated 2025-01-21.

Conditions:
Long QT syndrome (LQTS). Identifiers: MedGen C0023976, MeSH D008133, MONDO:0002442. Disease mechanism: loss of function. Inheritance: Various modes of inheritance.

Submissions (2):

GeneDx
Classification: Pathogenic. Last evaluated: 2025-01-21. Review status: criteria provided, single submitter. Criteria: GeneDx Variant Classification Process June 2021. Collection method: clinical testing. Allele origin: germline. Affected: yes.
Comment: Reported in an individual in association with LQTS (PMID: 19716085); Observed in two relatives with LQTS from one family; however, the nucleotide change was not specified (PMID: 25294783); Not observed at significant frequency in large population cohorts (gnomAD); Nonsense variant predicted to result in protein truncation or nonsense mediated decay in a gene for which loss of function is a known mechanism of disease; This variant is associated with the following publications: (PMID: 19034806, 25294783, 19716085)

Labcorp Genetics (formerly Invitae), Labcorp
Classification: Pathogenic for Long QT syndrome. Last evaluated: 2023-10-13. Review status: criteria provided, single submitter. Criteria: Invitae Variant Classification Sherloc (09022015). Collection method: clinical testing. Allele origin: germline.
Comment: This sequence change creates a premature translational stop signal (p.Tyr652*) in the KCNH2 gene. It is expected to result in an absent or disrupted protein product. Loss-of-function variants in KCNH2 are known to be pathogenic (PMID: 10973849, 19862833). This variant is not present in population databases (gnomAD no frequency). This premature translational stop signal has been observed in individual(s) with clinical features of long QT syndrome (PMID: 19716085). Algorithms developed to predict the effect of sequence changes on RNA splicing suggest that this variant may create or strengthen a splice site. For these reasons, this variant has been classified as Pathogenic.

Literature cited by the submitters: PubMed 10973849 (cited by Labcorp Genetics (formerly Invitae), Labcorp); PubMed 19862833 (cited by Labcorp Genetics (formerly Invitae), Labcorp); PubMed 19716085 (cited by Labcorp Genetics (formerly Invitae), Labcorp).

NM_000238.4(KCNH2):c.1956del (p.Met651_Tyr652insTer)

Gene: KCNH2 (potassium voltage-gated channel subfamily H member 2; minus strand). Cytogenetic location: 7q36.1.
Variant type: Deletion.
Coding change: c.1956del on transcript NM_000238.4 (MANE Select); coding-DNA position 1956, one base deleted (T; older notation c.1956delT).
Protein change: p.Met651_Tyr652insTer.
Molecular consequence: nonsense. On other transcripts: non-coding transcript variant (2).
Genome position (GRCh38, 1-based): chr7:150,951,110, A deleted on the plus strand (T on the coding strand, the reverse complement: KCNH2 is on the minus strand). VCF-style (leftmost placement, unchanged base first): chr7-150951109-CA-C. GRCh37 (hg19) VCF-style: chr7-150648197-CA-C.
Other names: c.1956del (NM_000238.2); c.936del, p.Met311_Tyr312insTer (NM_001204798.2, NM_172057.3); c.1668del, p.Met555_Tyr556insTer (NM_001406753.1, NM_001406756.1); c.1779del, p.Met592_Tyr593insTer (NM_001406755.1); c.1656del, p.Met551_Tyr552insTer (NM_001406757.1); c.1956del, p.Met651_Tyr652insTer (NM_172056.3).
Identifiers: ClinVar variation 2735098 (VCV002735098.4), dbSNP rs2482381365, ClinGen allele CA2695208715.